The following is an entry in ClinVar:

NM_021930.6(RINT1):c.1721A>C (p.Asn574Thr)

Gene: RINT1 (RAD50 interactor 1; plus strand). Cytogenetic location: 7q22.3.
Variant type: single nucleotide variant.
Coding change: c.1721A>C on transcript NM_021930.6 (MANE Select); coding-DNA position 1721, A replaced by C.
Protein change: p.Asn574Thr; replaces asparagine 574 with threonine.
Molecular consequence: missense variant. On other transcripts: non-coding transcript variant (1).
Genome position (GRCh38, 1-based): chr7:105,563,782, A>C. VCF-style: chr7-105563782-A-C. GRCh37 (hg19) VCF-style: chr7-105204229-A-C.
Other names: c.1487A>C, p.Asn496Thr (NM_001346599.2); c.698A>C, p.Asn233Thr (NM_001346600.2, NM_001346603.2); c.797A>C, p.Asn266Thr (NM_001346601.2); short protein forms N266T, N233T, N496T, N574T.
Identifiers: ClinVar variation 654911 (VCV000654911.11), dbSNP rs763099446, ClinGen allele CA4426760.

ClinVar aggregate classification (germline): Conflicting classifications of pathogenicity. Review status: criteria provided, conflicting classifications (1 of 4 stars). 2 submissions from 2 submitters: Uncertain significance (1); Likely benign (1). Last evaluated 2024-03-29.

Allele frequency attached by ClinVar (database versions not stated): ExAC 0.00002; gnomAD exomes 0.00002 and 0.00001; gnomAD below 0.00001 and 0.00001; TOPMed 0.00001.

Submissions (2):

Ambry Genetics
Classification: Likely benign. Last evaluated: 2024-03-29. Review status: criteria provided, single submitter. Criteria: Ambry Variant Classification Scheme 2023. Collection method: clinical testing. Allele origin: germline.

Labcorp Genetics (formerly Invitae), Labcorp
Classification: Uncertain significance. Last evaluated: 2021-01-15. Review status: criteria provided, single submitter. Criteria: Invitae Variant Classification Sherloc (09022015). Collection method: clinical testing. Allele origin: germline.
Comment: In summary, the available evidence is currently insufficient to determine the role of this variant in disease. Therefore, it has been classified as a Variant of Uncertain Significance. Algorithms developed to predict the effect of missense changes on protein structure and function do not agree on the potential impact of this missense change (SIFT: "Deleterious"; PolyPhen-2: "Benign"; Align-GVGD: "Class C0"). This variant has not been reported in the literature in individuals with RINT1-related disease. This variant is present in population databases (rs763099446, ExAC 0.02%). This sequence change replaces asparagine with threonine at codon 574 of the RINT1 protein (p.Asn574Thr). The asparagine residue is highly conserved and there is a small physicochemical difference between asparagine and threonine.